The following is an entry in ClinVar:

ClinVar aggregate classification (germline): Uncertain significance (1 of 4 stars; one submission).

gnomAD v4.1: 1 of 1,586,298 alleles (0.000063%); highest among the groups gnomAD compares: African/African-American, 0.0013%; no homozygotes.

Submission:

Labcorp Genetics (formerly Invitae), Labcorp
Classification: Uncertain significance. Last evaluated: 2024-08-08. Review status: criteria provided, single submitter. Criteria: Invitae Variant Classification Sherloc (09022015). Collection method: clinical testing. Allele origin: germline.
Comment: This sequence change replaces arginine, which is basic and polar, with proline, which is neutral and non-polar, at codon 836 of the RAI1 protein (p.Arg836Pro). This variant is not present in population databases (gnomAD no frequency). This variant has not been reported in the literature in individuals affected with RAI1-related conditions. Advanced modeling of protein sequence and biophysical properties (such as structural, functional, and spatial information, amino acid conservation, physicochemical variation, residue mobility, and thermodynamic stability) performed at Invitae indicates that this missense variant is not expected to disrupt RAI1 protein function with a negative predictive value of 80%. In summary, the available evidence is currently insufficient to determine the role of this variant in disease. Therefore, it has been classified as a Variant of Uncertain Significance.

NM_030665.4(RAI1):c.2507G>C (p.Arg836Pro)

Gene: RAI1 (retinoic acid induced 1; plus strand). Cytogenetic location: 17p11.2.
Variant type: single nucleotide variant.
Coding change: c.2507G>C on transcript NM_030665.4 (MANE Select); coding-DNA position 2507, G replaced by C.
Protein change: p.Arg836Pro; replaces arginine 836 with proline.
Molecular consequence: missense variant.
Genome position (GRCh38, 1-based): chr17:17,795,455, G>C. VCF-style: chr17-17795455-G-C. GRCh37 (hg19) VCF-style: chr17-17698769-G-C.
Other names: short protein forms R836P.
Identifiers: ClinVar variation 3669467 (VCV003669467.2).